The following is an entry in ClinVar:

NM_014845.6(FIG4):c.1995C>G (p.His665Gln)

Gene: FIG4 (FIG4 phosphoinositide 5-phosphatase; plus strand). Cytogenetic location: 6q21.
Variant type: single nucleotide variant.
Coding change: c.1995C>G on transcript NM_014845.6 (MANE Select); coding-DNA position 1995, C replaced by G.
Protein change: p.His665Gln; replaces histidine 665 with glutamine.
Molecular consequence: missense variant.
Genome position (GRCh38, 1-based): chr6:109,786,348, C>G. VCF-style: chr6-109786348-C-G. GRCh37 (hg19) VCF-style: chr6-110107551-C-G.
Other names: short protein forms H665Q.
Identifiers: ClinVar variation 2037221 (VCV002037221.5), dbSNP rs2486221567, ClinGen allele CA365231793.

ClinVar aggregate classification (germline): Uncertain significance. Review status: criteria provided, multiple submitters, no conflicts (2 of 4 stars). 2 submissions from 2 submitters: Uncertain significance (2). Last evaluated 2022-09-21.

Conditions:
Charcot-Marie-Tooth disease type 4. Also called: Charcot-Marie-Tooth, Type 4; Charcot-Marie-Tooth disease, type IV. Identifiers: Orphanet 64749, MedGen C4082197, MONDO:0018995.

Submissions (2):

GeneDx
Classification: Uncertain significance. Last evaluated: 2022-09-21. Review status: criteria provided, single submitter. Criteria: GeneDx Variant Classification Process June 2021. Collection method: clinical testing. Allele origin: germline. Affected: yes.
Comment: Not observed at significant frequency in large population cohorts (gnomAD); In silico analysis supports that this missense variant does not alter protein structure/function; Has not been previously published as pathogenic or benign to our knowledge

Labcorp Genetics (formerly Invitae), Labcorp
Classification: Uncertain significance for Charcot-Marie-Tooth disease type 4. Last evaluated: 2022-06-26. Review status: criteria provided, single submitter. Criteria: Invitae Variant Classification Sherloc (09022015). Collection method: clinical testing. Allele origin: germline.
Comment: In summary, the available evidence is currently insufficient to determine the role of this variant in disease. Therefore, it has been classified as a Variant of Uncertain Significance. Algorithms developed to predict the effect of missense changes on protein structure and function (SIFT, PolyPhen-2, Align-GVGD) all suggest that this variant is likely to be tolerated. This variant has not been reported in the literature in individuals affected with FIG4-related conditions. This variant is not present in population databases (gnomAD no frequency). This sequence change replaces histidine, which is basic and polar, with glutamine, which is neutral and polar, at codon 665 of the FIG4 protein (p.His665Gln).